The following is an entry in ClinVar:

NM_000368.5(TSC1):c.2392-222C>T

Gene: TSC1 (TSC complex subunit 1; minus strand). Cytogenetic location: 9q34.13.
Variant type: single nucleotide variant.
Coding change: c.2392-222C>T on transcript NM_000368.5 (MANE Select); 222 bases into the intron before coding-DNA position 2392, C replaced by T.
Molecular consequence: intron variant.
Genome position (GRCh38, 1-based): chr9:132,901,921, G>A on the plus strand (C>T on the coding strand, the complement: TSC1 is on the minus strand). VCF-style: chr9-132901921-G-A. GRCh37 (hg19) VCF-style: chr9-135777308-G-A.
Other names: c.2029-222C>T (NM_001362177.2); c.2239-222C>T (NM_001162427.2); c.2389-222C>T (NM_001162426.2).
Identifiers: ClinVar variation 677817 (VCV000677817.1), dbSNP rs141011030, ClinGen allele CA200885384.

ClinVar aggregate classification (germline): Likely benign (1 of 4 stars; one submission).

Allele frequency attached by ClinVar (database versions not stated): 1000 Genomes Project 30x 0.00453; 1000 Genomes Project 0.00459; gnomAD 0.00908; TOPMed 0.01417.
gnomAD v4.1: 6,594 of 535,248 alleles (1.2%); highest among the groups gnomAD compares: Admixed American, 1.8%; 74 homozygotes.

Submission:

GeneDx
Classification: Likely benign. Last evaluated: 2018-06-18. Review status: criteria provided, single submitter. Criteria: GeneDx Variant Classification (06012015). Collection method: clinical testing. Allele origin: germline. Affected: yes.
Comment: This variant is considered likely benign or benign based on one or more of the following criteria: it is a conservative change, it occurs at a poorly conserved position in the protein, it is predicted to be benign by multiple in silico algorithms, and/or has population frequency not consistent with disease.